The following is an entry in ClinVar:

NM_021072.4(HCN1):c.823_826del (p.Ile275fs)

Gene: HCN1 (hyperpolarization activated cyclic nucleotide gated potassium channel 1; minus strand). Cytogenetic location: 5p12.
Variant type: Deletion.
Coding change: c.823_826del on transcript NM_021072.4 (MANE Select); coding-DNA positions 823 to 826, 4 bases deleted (ATTA; older notation c.823_826delATTA).
Protein change: p.Ile275fs; shifts the reading frame from isoleucine 275.
Molecular consequence: frameshift variant.
Genome position (GRCh38, 1-based): chr5:45,645,208-45,645,211, TAAT deleted on the plus strand (ATTA on the coding strand, the reverse complement: HCN1 is on the minus strand); deleting any 4 consecutive bases within chr5:45,645,208-45,645,214 gives the same sequence; the c. name uses the placement nearest the transcript's 3' end. VCF-style (leftmost placement, unchanged base first): chr5-45645207-CTAAT-C. GRCh37 (hg19) VCF-style: chr5-45645309-CTAAT-C.
Other names: short protein forms I275fs.
Identifiers: ClinVar variation 2811961 (VCV002811961.3), dbSNP rs2478543145, ClinGen allele CA2739274738.

ClinVar aggregate classification (germline): Uncertain significance (1 of 4 stars; one submission).

Conditions:
Early-infantile DEE. Also called: Early infantile epileptic encephalopathy; Early infantile epileptic encephalopathy with suppression bursts; Ohtahara syndrome. Identifiers: Orphanet 1934, MedGen C0393706, MONDO:0800491.

Submission:

Labcorp Genetics (formerly Invitae), Labcorp
Classification: Uncertain significance for Early-infantile DEE. Last evaluated: 2022-11-10. Review status: criteria provided, single submitter. Criteria: Invitae Variant Classification Sherloc (09022015). Collection method: clinical testing. Allele origin: germline.
Comment: This sequence change creates a premature translational stop signal (p.Ile275Aspfs*12) in the HCN1 gene. It is expected to result in an absent or disrupted protein product. However, the current clinical and genetic evidence is not sufficient to establish whether loss-of-function variants in HCN1 cause disease. This variant is not present in population databases (gnomAD no frequency). This variant has not been reported in the literature in individuals affected with HCN1-related conditions. In summary, the available evidence is currently insufficient to determine the role of this variant in disease. Therefore, it has been classified as a Variant of Uncertain Significance.